The following is an entry in ClinVar:

ClinVar aggregate classification (germline): Benign/Likely benign. Review status: criteria provided, multiple submitters, no conflicts (2 of 4 stars). 6 submissions from 6 submitters: Benign (1); Likely benign (5). Last evaluated 2026-04-24.

Conditions:
Colorectal cancer, susceptibility to, 1. Also called: COLORECTAL ADENOMA AND CANCER, SUSCEPTIBILITY TO; COLORECTAL CANCER, SUSCEPTIBILITY TO, ON CHROMOSOME 9. Identifiers: MedGen C1837315, MONDO:0012132, OMIM 608812.

Allele frequency attached by ClinVar (database versions not stated): gnomAD 0.00001 and 0.00002; TOPMed 0.00001; gnomAD exomes 0.00002 and 0.00005.
gnomAD v4.1: 70 of 1,614,148 alleles (0.0043%); highest among the groups gnomAD compares: Middle Eastern, 0.016%; no homozygotes.

Submissions (6):

Myriad Genetics, Inc.
Classification: Benign for Colorectal cancer, susceptibility to, 1. Last evaluated: 2026-04-24. Review status: criteria provided, single submitter. Criteria: Myriad Autosomal Dominant, Autosomal Recessive and X-Linked Classification Criteria (2023). Collection method: clinical testing. Allele origin: unknown.
Comment: This variant is considered benign. This variant is a silent/synonymous amino acid change and it is not expected to impact splicing.

Quest Diagnostics Nichols Institute San Juan Capistrano
Classification: Likely benign. Last evaluated: 2025-01-08. Review status: criteria provided, single submitter. Criteria: Quest Diagnostics criteria. Collection method: clinical testing. Allele origin: unknown.

Department of Pathology and Laboratory Medicine, Sinai Health System
Classification: Likely benign for Colorectal cancer, susceptibility to, 1. Last evaluated: 2024-06-21. Review status: criteria provided, single submitter. Criteria: ACMG Guidelines, 2015. Collection method: clinical testing. Allele origin: germline. Affected: yes.

Labcorp Genetics (formerly Invitae), Labcorp
Classification: Likely benign. Last evaluated: 2024-05-12. Review status: criteria provided, single submitter. Criteria: Invitae Variant Classification Sherloc (09022015). Collection method: clinical testing. Allele origin: germline.

Blueprint Genetics
Classification: Likely benign. Last evaluated: 2022-07-19. Review status: criteria provided, single submitter. Criteria: ACMG Guidelines, 2015. Collection method: clinical testing. Allele origin: germline.

Ambry Genetics
Classification: Likely benign. Last evaluated: 2020-03-15. Review status: criteria provided, single submitter. Criteria: Ambry Variant Classification Scheme 2023. Collection method: clinical testing. Allele origin: germline.

NM_024642.5(GALNT12):c.813C>T (p.Ser271=)

Gene: GALNT12 (polypeptide N-acetylgalactosaminyltransferase 12; plus strand). Cytogenetic location: 9q22.33.
Variant type: single nucleotide variant.
Coding change: c.813C>T on transcript NM_024642.5 (MANE Select); coding-DNA position 813, C replaced by T.
Protein change: p.Ser271=; no amino-acid change (serine 271 retained).
Molecular consequence: synonymous variant.
Genome position (GRCh38, 1-based): chr9:98,831,853, C>T. VCF-style: chr9-98831853-C-T. GRCh37 (hg19) VCF-style: chr9-101594135-C-T.
Identifiers: ClinVar variation 416218 (VCV000416218.17), dbSNP rs1060504773, ClinGen allele CA16612959.